The following is an entry in ClinVar:

ClinVar aggregate classification (germline): Uncertain significance (0 of 4 stars; one submission).

Conditions:
TARDBP-related disorder. Also called: TARDBP-related condition.

Submission:

PreventionGenetics, part of Exact Sciences
Classification: Uncertain significance for TARDBP-related condition. Last evaluated: 2024-07-09. Review status: no assertion criteria provided. Collection method: clinical testing. Allele origin: germline.
Comment: The TARDBP c.913A>G variant is predicted to result in the amino acid substitution p.Ser305Gly. To our knowledge, this variant has not been reported in the literature. This variant is reported in 0.0029% of alleles in individuals of Latino descent in gnomAD. At this time, the clinical significance of this variant is uncertain due to the absence of conclusive functional and genetic evidence.

NM_007375.4(TARDBP):c.913A>G (p.Ser305Gly)

Gene: TARDBP (TAR DNA binding protein; plus strand). Cytogenetic location: 1p36.22.
Variant type: single nucleotide variant.
Coding change: c.913A>G on transcript NM_007375.4 (MANE Select); coding-DNA position 913, A replaced by G.
Protein change: p.Ser305Gly; replaces serine 305 with glycine.
Molecular consequence: missense variant.
Genome position (GRCh38, 1-based): chr1:11,022,322, A>G. VCF-style: chr1-11022322-A-G. GRCh37 (hg19) VCF-style: chr1-11082379-A-G.
Other names: short protein forms S305G.
Identifiers: ClinVar variation 3349079 (VCV003349079.1).